The following is an entry in ClinVar:

ClinVar aggregate classification (germline): Uncertain significance (1 of 4 stars; one submission).

Conditions:
Ornithine aminotransferase deficiency (GACR). Also called: Ornithine ketoacid aminotransferase deficiency; Gyrate atrophy; Gyrate atrophy of choroid and retina; Girate atrophy of the retina; HYPERORNITHINEMIA WITH GYRATE ATROPHY OF CHOROID AND RETINA; OAT DEFICIENCY. Identifiers: Orphanet 414, MedGen C0018425, MONDO:0009796, OMIM 258870.

gnomAD v4.1: 1 of 1,614,128 alleles (0.000062%); highest among the groups gnomAD compares: Non-Finnish European, 0.000085%; no homozygotes.

Submission:

Labcorp Genetics (formerly Invitae), Labcorp
Classification: Uncertain significance for Ornithine aminotransferase deficiency. Last evaluated: 2022-07-19. Review status: criteria provided, single submitter. Criteria: Invitae Variant Classification Sherloc (09022015). Collection method: clinical testing. Allele origin: germline.
Comment: ClinVar contains an entry for this variant (Variation ID: 1405362). This variant has not been reported in the literature in individuals affected with OAT-related conditions. This variant is not present in population databases (gnomAD no frequency). This sequence change replaces aspartic acid, which is acidic and polar, with asparagine, which is neutral and polar, at codon 195 of the OAT protein (p.Asp195Asn). Algorithms developed to predict the effect of missense changes on protein structure and function (SIFT, PolyPhen-2, Align-GVGD) all suggest that this variant is likely to be tolerated. In summary, the available evidence is currently insufficient to determine the role of this variant in disease. Therefore, it has been classified as a Variant of Uncertain Significance.

NM_000274.4(OAT):c.583G>A (p.Asp195Asn)

Gene: OAT (ornithine aminotransferase; minus strand). Cytogenetic location: 10q26.13.
Variant type: single nucleotide variant.
Coding change: c.583G>A on transcript NM_000274.4 (MANE Select); coding-DNA position 583, G replaced by A.
Protein change: p.Asp195Asn; replaces aspartic acid 195 with asparagine.
Molecular consequence: missense variant. On other transcripts: 5 prime UTR variant (1).
Genome position (GRCh38, 1-based): chr10:124,405,501, C>T on the plus strand (G>A on the coding strand, the complement: OAT is on the minus strand). VCF-style: chr10-124405501-C-T. GRCh37 (hg19) VCF-style: chr10-126094070-C-T.
Other names: c.169G>A, p.Asp57Asn (NM_001171814.2); c.583G>A, p.Asp195Asn (NM_001322965.2, NM_001322966.2, NM_001322967.2 and 3 more transcripts); c.262G>A, p.Asp88Asn (NM_001322971.2); c.-18G>A (NM_001322974.2); short protein forms D57N, D88N, D195N.
Identifiers: ClinVar variation 1405362 (VCV001405362.7), dbSNP rs386833614, ClinGen allele CA378636453.
Genomic context (GRCh38, chr10:124,405,501, plus strand): 5'-GTGCGGGCAGATCATTATAGGGAATGATGTCGAATCCCGGCATAAATGGTCCAAAACCAT[C>T]GTAACTGGTTGGGTCTGTGGAACTGGAGATAGCAGACAACGTCCTACCCCAGAAGTTCCC-3'
Protein context (NP_000265.1, residues 185-205): ISSSTDPTSY[Asp195Asn]GFGPFMPGFD